The following is an entry in ClinVar:

ClinVar aggregate classification (germline): Benign. Review status: criteria provided, single submitter (1 of 4 stars). 2 submissions from 2 submitters: Benign (1). 1 of the submissions does not count toward it. Last evaluated 2026-01-16.

Conditions:
ASPH-related disorder. Also called: ASPH-related condition.

Allele frequency attached by ClinVar (database versions not stated): gnomAD exomes 0.00023; ExAC 0.00095; ESP Exome Variant Server 0.00277; 1000 Genomes Project 0.00379; 1000 Genomes Project 30x 0.00422.
gnomAD v4.1: 739 of 1,573,916 alleles (0.047%); highest among the groups gnomAD compares: African/African-American, 0.9%; 5 homozygotes.

Submissions (2):

Labcorp Genetics (formerly Invitae), Labcorp
Classification: Benign. Last evaluated: 2026-01-16. Review status: criteria provided, single submitter. Criteria: Invitae Variant Classification Sherloc (09022015). Collection method: clinical testing. Allele origin: germline.

PreventionGenetics, part of Exact Sciences
Classification: Benign for ASPH-related condition. Last evaluated: 2019-07-11. Review status: no assertion criteria provided. Collection method: clinical testing. Allele origin: germline. Not counted in ClinVar's aggregate classification.
Comment: This variant is classified as benign based on ACMG/AMP sequence variant interpretation guidelines (Richards et al. 2015 PMID: 25741868, with internal and published modifications).

NM_004318.4(ASPH):c.1061G>T (p.Arg354Met)

Gene: ASPH (aspartate beta-hydroxylase; minus strand). Cytogenetic location: 8q12.3.
Variant type: single nucleotide variant.
Coding change: c.1061G>T on transcript NM_004318.4 (MANE Select); coding-DNA position 1061, G replaced by T.
Protein change: p.Arg354Met; replaces arginine 354 with methionine.
Molecular consequence: missense variant.
Genome position (GRCh38, 1-based): chr8:61,583,945, C>A on the plus strand (G>T on the coding strand, the complement: ASPH is on the minus strand). VCF-style: chr8-61583945-C-A. GRCh37 (hg19) VCF-style: chr8-62496504-C-A.
Other names: c.974G>T, p.Arg325Met (NM_001164750.2, NM_001413864.1, NM_001413865.1 and 1 more transcripts); c.1061G>T, p.Arg354Met (NM_001413844.1, NM_001413849.1, NM_001413891.1 and 1 more transcripts); c.1106G>T, p.Arg369Met (NM_001413845.1); c.1103G>T, p.Arg368Met (NM_001413846.1); c.1004G>T, p.Arg335Met (NM_001413847.1, NM_001413860.1, NM_001413896.1); c.1064G>T, p.Arg355Met (NM_001413848.1); c.1058G>T, p.Arg353Met (NM_001413850.1, NM_001413851.1, NM_001413893.1); c.1049G>T, p.Arg350Met (NM_001413852.1); and 33 more; short protein forms R221M, R277M, R286M, R296M, R297M, R306M, R319M, R321M.
Identifiers: ClinVar variation 2043417 (VCV002043417.6), dbSNP rs6995412, ClinGen allele CA4761867.